The following is an entry in ClinVar:

ClinVar aggregate classification (germline): Pathogenic/Likely pathogenic. Review status: criteria provided, multiple submitters, no conflicts (2 of 4 stars). 4 submissions from 4 submitters: Pathogenic (2); Likely pathogenic (1). 1 of the submissions does not count toward it. Last evaluated 2025-08-03.

Conditions:
Arthrogryposis multiplex congenita 6. Identifiers: MedGen C5543431, MONDO:0030281, OMIM 619334.
Nemaline myopathy 2 (NEM2). Also called: Nemaline myopathy 2, autosomal recessive. Identifiers: MedGen C1850569, MONDO:0009725, OMIM 256030.

Submissions (4):

Labcorp Genetics (formerly Invitae), Labcorp
Classification: Pathogenic for Nemaline myopathy 2. Last evaluated: 2025-08-03. Review status: criteria provided, single submitter. Criteria: Invitae Variant Classification Sherloc (09022015). Collection method: clinical testing. Allele origin: germline.
Comment: This sequence change creates a premature translational stop signal (p.Arg8156Serfs*9) in the NEB gene. It is expected to result in an absent or disrupted protein product. Loss-of-function variants in NEB are known to be pathogenic (PMID: 25205138). This variant is present in population databases (rs752582527, gnomAD 0.007%). This variant has not been reported in the literature in individuals affected with NEB-related conditions. Algorithms developed to predict the effect of sequence changes on RNA splicing suggest that this variant may disrupt the consensus splice site. For these reasons, this variant has been classified as Pathogenic.

Baylor Genetics
Classification: Likely pathogenic for Arthrogryposis multiplex congenita 6. Last evaluated: 2023-12-05. Review status: criteria provided, single submitter. Criteria: ACMG Guidelines, 2015. Collection method: clinical testing. Allele origin: unknown.

Revvity Omics, Revvity
Classification: Pathogenic. Last evaluated: 2019-12-23. Review status: criteria provided, single submitter. Criteria: ACMG Guidelines, 2015. Collection method: clinical testing. Allele origin: germline.

Counsyl
Classification: Likely pathogenic for Nemaline myopathy 2. Last evaluated: 2018-05-01. Review status: no assertion criteria provided. Collection method: clinical testing. Allele origin: unknown. Not counted in ClinVar's aggregate classification.

Literature cited by the submitters: PubMed 25205138 (cited by Labcorp Genetics (formerly Invitae), Labcorp).

NM_001164508.2(NEB):c.24363_24364del (p.Arg8121fs)

Genes: RIF1 (replication timing regulatory factor 1; plus strand), NEB (nebulin; minus strand). Cytogenetic location: 2q23.3.
Variant type: Microsatellite.
Coding change: c.24363_24364del on transcript NM_001164508.2 (MANE Select); coding-DNA positions 24363 to 24364, 2 bases deleted (AG; older notation c.24363_24364delAG).
Protein change: p.Arg8121fs; shifts the reading frame from arginine 8121.
Molecular consequence: frameshift variant. On other transcripts: intron variant (1).
Genome position (GRCh38, 1-based): chr2:151,496,970-151,496,971, CT deleted on the plus strand (AG on the coding strand, the reverse complement: NEB is on the minus strand); deleting any 2 consecutive bases within chr2:151,496,970-151,496,976 gives the same sequence; the c. name uses the placement nearest the transcript's 3' end. VCF-style (leftmost placement, unchanged base first): chr2-151496969-ACT-A. GRCh37 (hg19) VCF-style: chr2-152353483-ACT-A.
Other names: c.24363_24364del, p.Arg8121fs (NM_001164507.2); c.24468_24469del, p.Arg8156fs (NM_001271208.2); c.18826-607AG[2] (NM_004543.5); short protein forms R8121fs, R8156fs.
Identifiers: ClinVar variation 558081 (VCV000558081.13), dbSNP rs752582527, ClinGen allele CA1906080.